The following is an entry in ClinVar:

ClinVar aggregate classification (germline): Likely benign (1 of 4 stars; one submission).

Submission:

GeneDx
Classification: Likely benign. Last evaluated: 2017-11-03. Review status: criteria provided, single submitter. Criteria: GeneDx Variant Classification (06012015). Collection method: clinical testing. Allele origin: germline. Affected: yes.
Comment: This variant is considered likely benign or benign based on one or more of the following criteria: it is a conservative change, it occurs at a poorly conserved position in the protein, it is predicted to be benign by multiple in silico algorithms, and/or has population frequency not consistent with disease.

NM_003238.6(TGFB2):c.346+8C>T

Gene: TGFB2 (transforming growth factor beta 2; plus strand). Cytogenetic location: 1q41.
Variant type: single nucleotide variant.
Coding change: c.346+8C>T on transcript NM_003238.6 (MANE Select); 8 bases into the intron after coding-DNA position 346, C replaced by T.
Molecular consequence: intron variant.
Genome position (GRCh38, 1-based): chr1:218,347,055, C>T. VCF-style: chr1-218347055-C-T. GRCh37 (hg19) VCF-style: chr1-218520397-C-T.
Other names: c.346+8C>T (NM_001135599.4).
Identifiers: ClinVar variation 513041 (VCV000513041.1), dbSNP rs1553292149, ClinGen allele CA658795602.